The following is an entry in ClinVar:

NM_006231.4(POLE):c.1892A>G (p.Tyr631Cys)

Gene: POLE (DNA polymerase epsilon, catalytic subunit; minus strand). Cytogenetic location: 12q24.33.
Variant type: single nucleotide variant.
Coding change: c.1892A>G on transcript NM_006231.4 (MANE Select); coding-DNA position 1892, A replaced by G.
Protein change: p.Tyr631Cys; replaces tyrosine 631 with cysteine.
Molecular consequence: missense variant.
Genome position (GRCh38, 1-based): chr12:132,668,842, T>C on the plus strand (A>G on the coding strand, the complement: POLE is on the minus strand). VCF-style: chr12-132668842-T-C. GRCh37 (hg19) VCF-style: chr12-133245428-T-C.
Other names: short protein forms Y631C.
Identifiers: ClinVar variation 1490422 (VCV001490422.6), dbSNP rs1378067595, ClinGen allele CA387355328.

ClinVar aggregate classification (germline): Uncertain significance (1 of 4 stars; one submission).

Allele frequency attached by ClinVar (database versions not stated): gnomAD exomes below 0.00001; TOPMed below 0.00001.
gnomAD v4.1: 2 of 1,613,996 alleles (0.00012%); highest among the groups gnomAD compares: Non-Finnish European, 0.00017%; no homozygotes.

Submission:

Labcorp Genetics (formerly Invitae), Labcorp
Classification: Uncertain significance. Last evaluated: 2024-11-24. Review status: criteria provided, single submitter. Criteria: Invitae Variant Classification Sherloc (09022015). Collection method: clinical testing. Allele origin: germline.
Comment: This sequence change replaces tyrosine, which is neutral and polar, with cysteine, which is neutral and slightly polar, at codon 631 of the POLE protein (p.Tyr631Cys). This variant is not present in population databases (gnomAD no frequency). This variant has not been reported in the literature in individuals affected with POLE-related conditions. ClinVar contains an entry for this variant (Variation ID: 1490422). Invitae Evidence Modeling of protein sequence and biophysical properties (such as structural, functional, and spatial information, amino acid conservation, physicochemical variation, residue mobility, and thermodynamic stability) indicates that this missense variant is expected to disrupt POLE protein function with a positive predictive value of 80%. In summary, the available evidence is currently insufficient to determine the role of this variant in disease. Therefore, it has been classified as a Variant of Uncertain Significance.